The following is an entry in ClinVar:

NM_018163.3(DNAJC17):c.229A>G (p.Lys77Glu)

Gene: DNAJC17 (DnaJ heat shock protein family (Hsp40) member C17; minus strand). Cytogenetic location: 15q15.1.
Variant type: single nucleotide variant.
Coding change: c.229A>G on transcript NM_018163.3 (MANE Select); coding-DNA position 229, A replaced by G.
Protein change: p.Lys77Glu; replaces lysine 77 with glutamic acid.
Molecular consequence: missense variant.
Genome position (GRCh38, 1-based): chr15:40,779,289, T>C on the plus strand (A>G on the coding strand, the complement: DNAJC17 is on the minus strand). VCF-style: chr15-40779289-T-C. GRCh37 (hg19) VCF-style: chr15-41071487-T-C.
Other names: short protein forms K77E.
Identifiers: ClinVar variation 2035201 (VCV002035201.4), dbSNP rs2504666454, ClinGen allele CA391767283.

ClinVar aggregate classification (germline): Uncertain significance (1 of 4 stars; one submission).

Submission:

Labcorp Genetics (formerly Invitae), Labcorp
Classification: Uncertain significance. Last evaluated: 2022-10-12. Review status: criteria provided, single submitter. Criteria: Invitae Variant Classification Sherloc (09022015). Collection method: clinical testing. Allele origin: germline.
Comment: In summary, the available evidence is currently insufficient to determine the role of this variant in disease. Therefore, it has been classified as a Variant of Uncertain Significance. Algorithms developed to predict the effect of missense changes on protein structure and function (SIFT, PolyPhen-2, Align-GVGD) all suggest that this variant is likely to be tolerated. This variant has not been reported in the literature in individuals affected with DNAJC17-related conditions. This variant is not present in population databases (gnomAD no frequency). This sequence change replaces lysine, which is basic and polar, with glutamic acid, which is acidic and polar, at codon 77 of the DNAJC17 protein (p.Lys77Glu).